The following is an entry in ClinVar:

ClinVar aggregate classification (germline): Uncertain significance (1 of 4 stars; one submission).

Submission:

GeneDx
Classification: Uncertain significance. Last evaluated: 2024-10-17. Review status: criteria provided, single submitter. Criteria: GeneDx Variant Classification Process June 2021. Collection method: clinical testing. Allele origin: germline. Affected: yes.
Comment: Not observed at significant frequency in large population cohorts (gnomAD); In silico analysis supports that this missense variant has a deleterious effect on protein structure/function; Has not been previously published as pathogenic or benign to our knowledge

NM_001322934.2(NFKB2):c.521T>C (p.Leu174Pro)

Gene: NFKB2 (nuclear factor kappa B subunit 2; plus strand). Cytogenetic location: 10q24.32.
Variant type: single nucleotide variant.
Coding change: c.521T>C on transcript NM_001322934.2 (MANE Select); coding-DNA position 521, T replaced by C.
Protein change: p.Leu174Pro; replaces leucine 174 with proline.
Molecular consequence: missense variant.
Genome position (GRCh38, 1-based): chr10:102,397,545, T>C. VCF-style: chr10-102397545-T-C. GRCh37 (hg19) VCF-style: chr10-104157302-T-C.
Other names: c.521T>C, p.Leu174Pro (NM_001077494.3, NM_001261403.3, NM_001288724.1 and 2 more transcripts); short protein forms L174P.
Identifiers: ClinVar variation 3781202 (VCV003781202.1).
Genomic context (GRCh38, chr10:102,397,545, plus strand): 5'-GGAGGGAGAAGCCCAGGGGTCACACATGTACCTACTGCCCAGAGGCCGAGCAGCGGGAGC[T>C]GGAGCAAGAGGCCAAAGAACTGAAGAAGGTGATGGATCTGAGTATAGTGCGGCTGCGCTT-3'
Protein context (NP_001309863.1, residues 164-184): QGLTEAEQRE[Leu174Pro]EQEAKELKKV